The following is an entry in ClinVar:

NM_020778.5(ALPK3):c.3406G>A (p.Glu1136Lys)

Gene: ALPK3 (alpha kinase 3; plus strand). Cytogenetic location: 15q25.3.
Variant type: single nucleotide variant.
Coding change: c.3406G>A on transcript NM_020778.5 (MANE Select); coding-DNA position 3406, G replaced by A.
Protein change: p.Glu1136Lys; replaces glutamic acid 1136 with lysine.
Molecular consequence: missense variant.
Genome position (GRCh38, 1-based): chr15:84,858,144, G>A. VCF-style: chr15-84858144-G-A. GRCh37 (hg19) VCF-style: chr15-85401375-G-A.
Other names: short protein forms E1136K.
Identifiers: ClinVar variation 1737029 (VCV001737029.6), dbSNP rs545657102, ClinGen allele CA7709622.

ClinVar aggregate classification (germline): Uncertain significance. Review status: criteria provided, multiple submitters, no conflicts (2 of 4 stars). 3 submissions from 3 submitters: Uncertain significance (3). Last evaluated 2026-01-04.

Conditions:
Cardiovascular phenotype. Identifiers: MedGen CN230736.

Allele frequency attached by ClinVar (database versions not stated): 1000 Genomes Project 30x 0.00031; 1000 Genomes Project 0.00040; gnomAD exomes below 0.00001; ExAC 0.00003.
gnomAD v4.1: 8 of 1,604,368 alleles (0.0005%); highest among the groups gnomAD compares: African/African-American, 0.0094%; no homozygotes.

Submissions (3):

Labcorp Genetics (formerly Invitae), Labcorp
Classification: Uncertain significance. Last evaluated: 2026-01-04. Review status: criteria provided, single submitter. Criteria: Invitae Variant Classification Sherloc (09022015). Collection method: clinical testing. Allele origin: germline.
Comment: This sequence change replaces glutamic acid, which is acidic and polar, with lysine, which is basic and polar, at codon 1338 of the ALPK3 protein (p.Glu1338Lys). This variant is present in population databases (rs545657102, gnomAD 0.01%). This variant has not been reported in the literature in individuals affected with ALPK3-related conditions. ClinVar contains an entry for this variant (Variation ID: 1737029). Invitae Evidence Modeling of protein sequence and biophysical properties (such as structural, functional, and spatial information, amino acid conservation, physicochemical variation, residue mobility, and thermodynamic stability) indicates that this missense variant is not expected to disrupt ALPK3 protein function with a negative predictive value of 80%. In summary, the available evidence is currently insufficient to determine the role of this variant in disease. Therefore, it has been classified as a Variant of Uncertain Significance.

Women's Health and Genetics/Laboratory Corporation of America, LabCorp
Classification: Uncertain significance. Last evaluated: 2025-11-12. Review status: criteria provided, single submitter. Criteria: LabCorp Variant Classification Summary - May 2015. Collection method: clinical testing. Allele origin: germline.

Ambry Genetics
Classification: Uncertain significance for Cardiovascular phenotype. Last evaluated: 2022-07-08. Review status: criteria provided, single submitter. Criteria: Ambry Variant Classification Scheme 2023. Collection method: clinical testing. Allele origin: germline.
Comment: The p.E1338K variant (also known as c.4012G>A), located in coding exon 6 of the ALPK3 gene, results from a G to A substitution at nucleotide position 4012. The glutamic acid at codon 1338 is replaced by lysine, an amino acid with similar properties. This amino acid position is conserved. In addition, this alteration is predicted to be tolerated by in silico analysis. Since supporting evidence is limited at this time, the clinical significance of this alteration remains unclear.